The following is an entry in ClinVar:

ClinVar aggregate classification (germline): Pathogenic (1 of 4 stars; one submission).

Allele frequency attached by ClinVar (database versions not stated): TOPMed 0.00001.

Submission:

Labcorp Genetics (formerly Invitae), Labcorp
Classification: Pathogenic. Last evaluated: 2022-07-05. Review status: criteria provided, single submitter. Criteria: Invitae Variant Classification Sherloc (09022015). Collection method: clinical testing. Allele origin: germline.
Comment: This sequence change creates a premature translational stop signal (p.Leu427*) in the WDR11 gene. It is expected to result in an absent or disrupted protein product. Loss-of-function variants in WDR11 are known to be pathogenic (PMID: 34413497). This variant is not present in population databases (gnomAD no frequency). This variant has not been reported in the literature in individuals affected with WDR11-related conditions. For these reasons, this variant has been classified as Pathogenic.

Literature cited by the submitters: PubMed 34413497.

NM_018117.12(WDR11):c.1280T>G (p.Leu427Ter)

Gene: WDR11 (WD repeat domain 11; plus strand). Cytogenetic location: 10q26.12.
Variant type: single nucleotide variant.
Coding change: c.1280T>G on transcript NM_018117.12 (MANE Select); coding-DNA position 1280, T replaced by G.
Protein change: p.Leu427Ter; replaces leucine 427 with a stop codon.
Molecular consequence: nonsense.
Genome position (GRCh38, 1-based): chr10:120,867,155, T>G. VCF-style: chr10-120867155-T-G. GRCh37 (hg19) VCF-style: chr10-122626667-T-G.
Other names: short protein forms L427*.
Identifiers: ClinVar variation 2067762 (VCV002067762.1), dbSNP rs1238508616, ClinGen allele CA378325381.